The following is an entry in ClinVar:

NM_031272.5(TEX14):c.1528-9G>C

Gene: TEX14 (testis expressed 14, intercellular bridge forming factor; minus strand). Cytogenetic location: 17q22.
Variant type: single nucleotide variant.
Coding change: c.1528-9G>C on transcript NM_031272.5 (MANE Select); 9 bases into the intron before coding-DNA position 1528, G replaced by C.
Molecular consequence: intron variant.
Genome position (GRCh38, 1-based): chr17:58,601,965, C>G on the plus strand (G>C on the coding strand, the complement: TEX14 is on the minus strand). VCF-style: chr17-58601965-C-G. GRCh37 (hg19) VCF-style: chr17-56679326-C-G.
Other names: c.1528-9G>C (NM_198393.4); c.1546-9G>C (NM_001201457.2).
Identifiers: ClinVar variation 4980579 (VCV004980579.1).

ClinVar aggregate classification (germline): Likely benign (1 of 4 stars; one submission).

Conditions:
TEX14-related disorder. Also called: TEX14-related condition.

gnomAD v4.1: 158 of 1,612,404 alleles (0.0098%); highest among the groups gnomAD compares: Middle Eastern, 0.11%; no homozygotes.

Submission:

PreventionGenetics, part of Exact Sciences
Classification: Likely benign for TEX14-related condition. Last evaluated: 2025-04-09. Review status: criteria provided, single submitter. Criteria: ACMG Guidelines, 2015. Collection method: clinical testing. Allele origin: germline.
Comment: This variant is classified as likely benign based on ACMG/AMP sequence variant interpretation guidelines (Richards et al. 2015 PMID: 25741868, with internal and published modifications).